The following is an entry in ClinVar:

NM_001379110.1(SLC9A6):c.886-33dup

Gene: SLC9A6 (solute carrier family 9 member A6; plus strand). Cytogenetic location: Xq26.3.
Variant type: Duplication.
Coding change: c.886-33dup on transcript NM_001379110.1 (MANE Select); 33 bases into the intron before coding-DNA position 886, one base duplicated (A; older notation c.886-33dupA).
Molecular consequence: intron variant.
Genome position (GRCh38, 1-based): chrX:136,012,916, A duplicated. VCF-style (leftmost placement, unchanged base first): chrX-136012915-T-TA. GRCh37 (hg19) VCF-style: chrX-135095074-T-TA.
Other names: c.886-33dup (NM_001400909.1, NM_001400910.1, NM_001400911.1 and 2 more transcripts); c.1042-33dup (NM_001438742.1, NM_001042537.2); c.946-33dup (NM_006359.3); c.790-33dup (NM_001400913.1, NM_001330652.2).
Identifiers: ClinVar variation 5029673 (VCV005029673.1).

ClinVar aggregate classification (germline): Uncertain significance (1 of 4 stars; one submission).

Conditions:
Inborn genetic diseases. Identifiers: MedGen C0950123, MeSH D030342.

Submission:

Ambry Genetics
Classification: Uncertain significance for Inborn genetic diseases. Last evaluated: 2026-07-01. Review status: criteria provided, single submitter. Criteria: Ambry Variant Classification Scheme 2023. Collection method: clinical testing. Allele origin: germline.
Comment: The c.946-33dupA intronic variant is located 33 nucleotides before exon 8 (coding exon 8) of the SLC9A6 gene. This variant consists of a duplication of 1 nucleotide at nucleotide position c.946-33. This variant was not reported in population-based cohorts in the Genome Aggregation Database (gnomAD). This nucleotide position is not well conserved in available vertebrate species. In silico splice site analysis predicts that this alteration will result in the creation or strengthening of a novel splice acceptor site. Based on insufficient or conflicting evidence, the clinical significance of this alteration remains unclear.